The following is an entry in ClinVar:

NM_006231.4(POLE):c.2597G>A (p.Cys866Tyr)

Gene: POLE (DNA polymerase epsilon, catalytic subunit; minus strand). Cytogenetic location: 12q24.33.
Variant type: single nucleotide variant.
Coding change: c.2597G>A on transcript NM_006231.4 (MANE Select); coding-DNA position 2597, G replaced by A.
Protein change: p.Cys866Tyr; replaces cysteine 866 with tyrosine.
Molecular consequence: missense variant.
Genome position (GRCh38, 1-based): chr12:132,664,113, C>T on the plus strand (G>A on the coding strand, the complement: POLE is on the minus strand). VCF-style: chr12-132664113-C-T. GRCh37 (hg19) VCF-style: chr12-133240699-C-T.
Other names: short protein forms C866Y.
Identifiers: ClinVar variation 842754 (VCV000842754.10), dbSNP rs2042737874, ClinGen allele CA387395745.

ClinVar aggregate classification (germline): Uncertain significance (1 of 4 stars; one submission).

Submission:

Labcorp Genetics (formerly Invitae), Labcorp
Classification: Uncertain significance. Last evaluated: 2019-12-30. Review status: criteria provided, single submitter. Criteria: Invitae Variant Classification Sherloc (09022015). Collection method: clinical testing. Allele origin: germline.
Comment: In summary, the available evidence is currently insufficient to determine the role of this variant in disease. Therefore, it has been classified as a Variant of Uncertain Significance. Algorithms developed to predict the effect of missense changes on protein structure and function (SIFT, PolyPhen-2, Align-GVGD) all suggest that this variant is likely to be disruptive, but these predictions have not been confirmed by published functional studies and their clinical significance is uncertain. This variant has not been reported in the literature in individuals with POLE-related conditions. This variant is not present in population databases (ExAC no frequency). This sequence change replaces cysteine with tyrosine at codon 866 of the POLE protein (p.Cys866Tyr). The cysteine residue is highly conserved and there is a large physicochemical difference between cysteine and tyrosine.